The following is an entry in ClinVar:

NM_001122630.2(CDKN1C):c.845C>T (p.Ala282Val)

Gene: CDKN1C (cyclin dependent kinase inhibitor 1C; minus strand). Cytogenetic location: 11p15.4.
Variant type: single nucleotide variant.
Coding change: c.845C>T on transcript NM_001122630.2 (MANE Select); coding-DNA position 845, C replaced by T.
Protein change: p.Ala282Val; replaces alanine 282 with valine.
Molecular consequence: missense variant.
Genome position (GRCh38, 1-based): chr11:2,884,077, G>A on the plus strand (C>T on the coding strand, the complement: CDKN1C is on the minus strand). VCF-style: chr11-2884077-G-A. GRCh37 (hg19) VCF-style: chr11-2905307-G-A.
Other names: c.878C>T, p.Ala293Val (NM_000076.2, NM_001362474.2); c.845C>T, p.Ala282Val (NM_001122631.2); c.313C>T, p.Arg105Cys (NM_001362475.2); short protein forms A293V, R105C, A282V.
Identifiers: ClinVar variation 2139427 (VCV002139427.4), dbSNP rs1384507877, ClinGen allele CA379144921.

ClinVar aggregate classification (germline): Uncertain significance (1 of 4 stars; one submission).

Conditions:
Beckwith-Wiedemann syndrome (BWS). Also called: EMG SYNDROME; Exomphalos macroglossia gigantism syndrome. Identifiers: Orphanet 116, MedGen C0004903, MONDO:0007534, OMIM 130650.

Allele frequency attached by ClinVar (database versions not stated): gnomAD exomes 0.00001.
gnomAD v4.1: 7 of 1,549,292 alleles (0.00045%); highest among the groups gnomAD compares: Non-Finnish European, 0.00061%; no homozygotes.

Submission:

Labcorp Genetics (formerly Invitae), Labcorp
Classification: Uncertain significance for Beckwith-Wiedemann syndrome. Last evaluated: 2021-12-24. Review status: criteria provided, single submitter. Criteria: Invitae Variant Classification Sherloc (09022015). Collection method: clinical testing. Allele origin: germline.
Comment: Algorithms developed to predict the effect of missense changes on protein structure and function are either unavailable or do not agree on the potential impact of this missense change (SIFT: "Tolerated"; PolyPhen-2: "Not Available"; Align-GVGD: "Class C0"). This variant has not been reported in the literature in individuals affected with CDKN1C-related conditions. The frequency data for this variant in the population databases is considered unreliable, as metrics indicate poor data quality at this position in the gnomAD database. This sequence change replaces alanine, which is neutral and non-polar, with valine, which is neutral and non-polar, at codon 293 of the CDKN1C protein (p.Ala293Val). In summary, the available evidence is currently insufficient to determine the role of this variant in disease. Therefore, it has been classified as a Variant of Uncertain Significance.